The following is an entry in ClinVar:

ClinVar aggregate classification (germline): Likely benign. Review status: criteria provided, multiple submitters, no conflicts (2 of 4 stars). 4 submissions from 4 submitters: Likely benign (3). 1 of the submissions does not count toward it. Last evaluated 2026-01-11.

Conditions:
Spastic paraplegia. Identifiers: MedGen C0037772, HP:0001258.
Charlevoix-Saguenay spastic ataxia (SACS). Also called: SPASTIC ATAXIA 6, AUTOSOMAL RECESSIVE; AUTOSOMAL RECESSIVE SPASTIC ATAXIA OF CHARLEVOIX-SAGUENAY; Spastic ataxia of Charlevoix-Saguenay. Identifiers: Orphanet 98, MedGen C1849140, MONDO:0010041, OMIM 270550.

Allele frequency attached by ClinVar (database versions not stated): gnomAD exomes below 0.00001 and 0.00002; TOPMed 0.00003; gnomAD 0.00005.
gnomAD v4.1: 33 of 1,612,676 alleles (0.002%); highest among the groups gnomAD compares: Non-Finnish European, 0.0026%; no homozygotes.

Submissions (4):

Labcorp Genetics (formerly Invitae), Labcorp
Classification: Likely benign for Spastic paraplegia. Last evaluated: 2026-01-11. Review status: criteria provided, single submitter. Criteria: Invitae Variant Classification Sherloc (09022015). Collection method: clinical testing. Allele origin: germline.

Mayo Clinic Laboratories, Mayo Clinic
Classification: Likely benign. Last evaluated: 2025-03-10. Review status: criteria provided, single submitter. Criteria: ACMG Guidelines, 2015. Collection method: clinical testing. Allele origin: germline. Observed: 1 variant allele.
Comment: BP4, BP7

Blueprint Genetics
Classification: Likely benign. Last evaluated: 2024-11-26. Review status: criteria provided, single submitter. Criteria: ACMG Guidelines, 2015. Collection method: clinical testing. Allele origin: germline.

Natera, Inc.
Classification: Uncertain significance for Charlevoix-Saguenay type spastic ataxia. Last evaluated: 2020-01-12. Review status: no assertion criteria provided. Collection method: clinical testing. Allele origin: germline. Not counted in ClinVar's aggregate classification.

NM_014363.6(SACS):c.396A>G (p.Leu132=)

Gene: SACS (sacsin molecular chaperone; minus strand). Cytogenetic location: 13q12.12.
Variant type: single nucleotide variant.
Coding change: c.396A>G on transcript NM_014363.6 (MANE Select); coding-DNA position 396, A replaced by G.
Protein change: p.Leu132=; no amino-acid change (leucine 132 retained).
Molecular consequence: synonymous variant. On other transcripts: 5 prime UTR variant (1).
Genome position (GRCh38, 1-based): chr13:23,365,227, T>C on the plus strand (A>G on the coding strand, the complement: SACS is on the minus strand). VCF-style: chr13-23365227-T-C. GRCh37 (hg19) VCF-style: chr13-23939366-T-C.
Other names: p.Leu132=; c.-46A>G (NM_001278055.2).
Identifiers: ClinVar variation 698801 (VCV000698801.13), dbSNP rs1256540997, ClinGen allele CA482923953.